The following is an entry in ClinVar:

ClinVar aggregate classification (germline): Likely pathogenic (1 of 4 stars; one submission).

Submission:

Labcorp Genetics (formerly Invitae), Labcorp
Classification: Likely pathogenic. Last evaluated: 2022-11-15. Review status: criteria provided, single submitter. Criteria: Invitae Variant Classification Sherloc (09022015). Collection method: clinical testing. Allele origin: germline.
Comment: In summary, the currently available evidence indicates that the variant is pathogenic, but additional data are needed to prove that conclusively. Therefore, this variant has been classified as Likely Pathogenic. Algorithms developed to predict the effect of sequence changes on RNA splicing suggest that this variant may disrupt the consensus splice site. ClinVar contains an entry for this variant (Variation ID: 1061662). This variant has not been reported in the literature in individuals affected with POLE-related conditions. This variant is not present in population databases (gnomAD no frequency). This sequence change affects a donor splice site in intron 16 of the POLE gene. It is expected to disrupt RNA splicing. Variants that disrupt the donor or acceptor splice site typically lead to a loss of protein function (PMID: 16199547), and loss-of-function variants in POLE are known to be pathogenic (PMID: 23230001, 25948378, 30503519).

Literature cited by the submitters: PubMed 16199547; PubMed 23230001; PubMed 25948378; PubMed 30503519.

NM_006231.4(POLE):c.1794+2T>A

Gene: POLE (DNA polymerase epsilon, catalytic subunit; minus strand). Cytogenetic location: 12q24.33.
Variant type: single nucleotide variant.
Coding change: c.1794+2T>A on transcript NM_006231.4 (MANE Select); the canonical splice donor site of the intron after coding-DNA position 1794, T replaced by A.
Molecular consequence: splice donor variant.
Genome position (GRCh38, 1-based): chr12:132,672,213, A>T on the plus strand (T>A on the coding strand, the complement: POLE is on the minus strand). VCF-style: chr12-132672213-A-T. GRCh37 (hg19) VCF-style: chr12-133248799-A-T.
Identifiers: ClinVar variation 1061662 (VCV001061662.9), dbSNP rs2135990079, ClinGen allele CA387356197.
Genomic context (GRCh38, chr12:132,672,213, plus strand): 5'-GACGTGGTCTGTGAAGAAGGCGCCAAACACAGACTGGCTCTTCCTGCCTCCCTGATGGTT[A>T]CCTCTTCAAAGTTGGTGACTTGCTCCACAGGCACTTTCTCCTCTTCCTCAAGGGCGTGGC-3'